The following is an entry in ClinVar:

NM_002471.4(MYH6):c.4265G>A (p.Arg1422Gln)

Gene: MYH6 (myosin heavy chain 6; minus strand). Cytogenetic location: 14q11.2.
Variant type: single nucleotide variant.
Coding change: c.4265G>A on transcript NM_002471.4 (MANE Select); coding-DNA position 4265, G replaced by A.
Protein change: p.Arg1422Gln; replaces arginine 1422 with glutamine.
Molecular consequence: missense variant.
Genome position (GRCh38, 1-based): chr14:23,388,249, C>T on the plus strand (G>A on the coding strand, the complement: MYH6 is on the minus strand). VCF-style: chr14-23388249-C-T. GRCh37 (hg19) VCF-style: chr14-23857458-C-T.
Other names: short protein forms R1422Q.
Identifiers: ClinVar variation 470536 (VCV000470536.16), dbSNP rs574433291, ClinGen allele CA7114836.

ClinVar aggregate classification (germline): Conflicting classifications of pathogenicity. Review status: criteria provided, conflicting classifications (1 of 4 stars). 5 submissions from 5 submitters: Uncertain significance (2); Likely benign (3). Last evaluated 2025-12-16.

Conditions:
Hypertrophic cardiomyopathy 14. Identifiers: MedGen C2750467, MONDO:0013197, OMIM 613251.
Cardiovascular phenotype. Identifiers: MedGen CN230736.

Allele frequency attached by ClinVar (database versions not stated): gnomAD below 0.00001 and 0.00003; TOPMed 0.00002; gnomAD exomes 0.00016; ExAC 0.00019; 1000 Genomes Project 0.00040; 1000 Genomes Project 30x 0.00047.
gnomAD v4.1: 103 of 1,612,882 alleles (0.0064%); highest among the groups gnomAD compares: South Asian, 0.079%; no homozygotes.

Submissions (5):

Ambry Genetics
Classification: Uncertain significance for Cardiovascular phenotype. Last evaluated: 2025-12-16. Review status: criteria provided, single submitter. Criteria: Ambry Variant Classification Scheme 2023. Collection method: clinical testing. Allele origin: germline.
Comment: The p.R1422Q variant (also known as c.4265G>A), located in coding exon 28 of the MYH6 gene, results from a G to A substitution at nucleotide position 4265. The arginine at codon 1422 is replaced by glutamine, an amino acid with highly similar properties. This amino acid position is highly conserved in available vertebrate species. In addition, this alteration is predicted to be deleterious by in silico analysis. Since supporting evidence is limited at this time, the clinical significance of this alteration remains unclear.

Labcorp Genetics (formerly Invitae), Labcorp
Classification: Likely benign for Hypertrophic cardiomyopathy 14. Last evaluated: 2024-01-15. Review status: criteria provided, single submitter. Criteria: Invitae Variant Classification Sherloc (09022015). Collection method: clinical testing. Allele origin: germline.

Blueprint Genetics
Classification: Likely benign. Last evaluated: 2023-01-10. Review status: criteria provided, single submitter. Criteria: ACMG Guidelines, 2015. Collection method: clinical testing. Allele origin: germline.

GeneDx
Classification: Uncertain significance. Last evaluated: 2022-01-20. Review status: criteria provided, single submitter. Criteria: GeneDx Variant Classification Process June 2021. Collection method: clinical testing. Allele origin: germline. Affected: yes.
Comment: Has not been previously published as pathogenic or benign to our knowledge; In silico analysis supports that this missense variant has a deleterious effect on protein structure/function

Breakthrough Genomics
Classification: Likely benign. Review status: criteria provided, single submitter. Criteria: ACMG Guidelines, 2015. Collection method: not provided. Allele origin: germline. Inheritance: Autosomal dominant inheritance. Affected: yes.